The following is an entry in ClinVar:

ClinVar aggregate classification (germline): Pathogenic (1 of 4 stars; one submission).

Conditions:
Spastic paraplegia. Identifiers: MedGen C0037772, HP:0001258.

Submission:

Labcorp Genetics (formerly Invitae), Labcorp
Classification: Pathogenic for Spastic paraplegia. Last evaluated: 2023-09-27. Review status: criteria provided, single submitter. Criteria: Invitae Variant Classification Sherloc (09022015). Collection method: clinical testing. Allele origin: germline.
Comment: This sequence change creates a premature translational stop signal (p.Tyr599*) in the ZFYVE26 gene. It is expected to result in an absent or disrupted protein product. Loss-of-function variants in ZFYVE26 are known to be pathogenic (PMID: 18394578, 19805727). This variant is not present in population databases (gnomAD no frequency). This variant has not been reported in the literature in individuals affected with ZFYVE26-related conditions. For these reasons, this variant has been classified as Pathogenic.

Literature cited by the submitters: PubMed 18394578; PubMed 19805727.

NM_015346.4(ZFYVE26):c.1797T>G (p.Tyr599Ter)

Gene: ZFYVE26 (zinc finger FYVE-type containing 26; minus strand). Cytogenetic location: 14q24.1.
Variant type: single nucleotide variant.
Coding change: c.1797T>G on transcript NM_015346.4 (MANE Select); coding-DNA position 1797, T replaced by G.
Protein change: p.Tyr599Ter; replaces tyrosine 599 with a stop codon.
Molecular consequence: nonsense.
Genome position (GRCh38, 1-based): chr14:67,798,465, A>C on the plus strand (T>G on the coding strand, the complement: ZFYVE26 is on the minus strand). VCF-style: chr14-67798465-A-C. GRCh37 (hg19) VCF-style: chr14-68265182-A-C.
Other names: short protein forms Y599*.
Identifiers: ClinVar variation 2985393 (VCV002985393.3), dbSNP rs2040007280, ClinGen allele CA390175843.
Genomic context (GRCh38, chr14:67,798,465, plus strand): 5'-GCTCTCTGATGGGGACCTCAAACCTGAGGGGCTCTTCCCCTCAATGTCATCATCCTCAGC[A>C]TAGTCCTCAGGCAAGTGAGGCTCTGGGTGAAGATCAGCAGAGGTGATGAGAAGCAATGAG-3'